The following is an entry in ClinVar:

NM_004304.5(ALK):c.3805G>A (p.Gly1269Arg)

Gene: ALK (ALK receptor tyrosine kinase; minus strand). Cytogenetic location: 2p23.2.
Variant type: single nucleotide variant.
Coding change: c.3805G>A on transcript NM_004304.5 (MANE Select); coding-DNA position 3805, G replaced by A.
Protein change: p.Gly1269Arg; replaces glycine 1269 with arginine.
Molecular consequence: missense variant.
Genome position (GRCh38, 1-based): chr2:29,209,817, C>T on the plus strand (G>A on the coding strand, the complement: ALK is on the minus strand). VCF-style: chr2-29209817-C-T. GRCh37 (hg19) VCF-style: chr2-29432683-C-T.
Other names: c.601G>A, p.Gly201Arg (NM_001353765.2); short protein forms G201R, G1269R.
Identifiers: ClinVar variation 3524223 (VCV003524223.1).

ClinVar aggregate classification (germline): Uncertain significance (1 of 4 stars; one submission).

Conditions:
Hereditary cancer-predisposing syndrome. Also called: Hereditary Cancer Syndrome; Hereditary neoplastic syndrome; Tumor predisposition; Neoplastic Syndromes, Hereditary. Identifiers: Orphanet 140162, MedGen C0027672, MeSH D009386, MONDO:0015356.

Submission:

Ambry Genetics
Classification: Uncertain significance for Hereditary cancer-predisposing syndrome. Last evaluated: 2024-08-14. Review status: criteria provided, single submitter. Criteria: Ambry Variant Classification Scheme 2023. Collection method: clinical testing. Allele origin: germline.
Comment: The p.G1269R variant (also known as c.3805G>A), located in coding exon 25 of the ALK gene, results from a G to A substitution at nucleotide position 3805. The glycine at codon 1269 is replaced by arginine, an amino acid with dissimilar properties. This amino acid position is highly conserved in available vertebrate species. In addition, this alteration is predicted to be deleterious by in silico analysis. Based on the available evidence, the clinical significance of this variant remains unclear.